The following is an entry in ClinVar:

ClinVar aggregate classification (germline): Uncertain significance. Review status: criteria provided, multiple submitters, no conflicts (2 of 4 stars). 2 submissions from 2 submitters: Uncertain significance (2). Last evaluated 2026-04-14.

Conditions:
Progressive familial intrahepatic cholestasis type 2. Identifiers: Orphanet 79304, MedGen C3489789, MONDO:0011156, OMIM 601847.
Familial intrahepatic cholestasis. Identifiers: Orphanet 284385, MedGen CN296401, MONDO:0017290.

Submissions (2):

Genomenon, Inc
Classification: Uncertain significance for Familial intrahepatic cholestasis. Last evaluated: 2026-04-14. Review status: criteria provided, single submitter. Criteria: Genomenon Sequence Variant Interpretation Standards - Updated. Collection method: curation. Allele origin: germline. Affected: yes.
Comment: ABCB11 p.Glu956Lys (c.2866G>A) is a missense variant that changes the amino acid at residue 956 from Glutamic acid to Lysine. This variant has been observed in at least one proband with an ABCB11-related disorder (PMID:32087350). It is absent or not present at a significant frequency in gnomAD. In silico models predict that this variant is possibly or probably damaging. In conclusion, we classify ABCB11 p.Glu956Lys (c.2866G>A) as a variant of uncertain significance.

3billion
Classification: Uncertain significance for Progressive familial intrahepatic cholestasis type 2. Last evaluated: 2024-10-22. Review status: criteria provided, single submitter. Criteria: ACMG Guidelines, 2015. Collection method: clinical testing. Allele origin: germline. Affected: yes.
Comment: The variant is not observed in the gnomAD v4.1.0 dataset. Predicted Consequence/Location: Missense variant In silico tool predictions suggest damaging effect of the variant on gene or gene product [REVEL: 0.80 (>=0.6, sensitivity 0.68 and specificity 0.92); 3Cnet: 0.95 (>=0.6, sensitivity 0.72 and precision 0.9)]. Therefore, this variant is classified as VUS according to the recommendation of ACMG/AMP guideline.

Literature cited by the submitters: PubMed 32087350 (cited by Genomenon, Inc).

NM_003742.4(ABCB11):c.2866G>A (p.Glu956Lys)

Genes: ABCB11 (ATP binding cassette subfamily B member 11; minus strand), LOC126806400 (CDK7 strongly-dependent group 2 enhancer GRCh37_chr2:169791870-169793069; plus strand). Cytogenetic location: 2q31.1.
Variant type: single nucleotide variant.
Coding change: c.2866G>A on transcript NM_003742.4 (MANE Select); coding-DNA position 2866, G replaced by A.
Protein change: p.Glu956Lys; replaces glutamic acid 956 with lysine.
Molecular consequence: missense variant.
Genome position (GRCh38, 1-based): chr2:168,935,374, C>T on the plus strand (G>A on the coding strand, the complement: ABCB11 is on the minus strand). VCF-style: chr2-168935374-C-T. GRCh37 (hg19) VCF-style: chr2-169791884-C-T.
Other names: short protein forms E956K.
Identifiers: ClinVar variation 4294055 (VCV004294055.2).